The following is an entry in ClinVar:

NM_000077.5(CDKN2A):c.404G>C (p.Gly135Ala)

Gene: CDKN2A (cyclin dependent kinase inhibitor 2A; minus strand). Cytogenetic location: 9p21.3.
Variant type: single nucleotide variant.
Coding change: c.404G>C on transcript NM_000077.5; coding-DNA position 404, G replaced by C.
Protein change: p.Gly135Ala; replaces glycine 135 with alanine.
Molecular consequence: missense variant (on NM_000077.6). On other transcripts: 3 prime UTR variant (2).
Genome position (GRCh38, 1-based): chr9:21,970,955, C>G on the plus strand (G>C on the coding strand, the complement: CDKN2A is on the minus strand). VCF-style: chr9-21970955-C-G. GRCh37 (hg19) VCF-style: chr9-21970954-C-G.
Other names: c.404G>C, p.Gly135Ala (NM_000077.6, NM_001195132.2); c.251G>C, p.Gly84Ala (NM_001363763.2); c.*48G>C (NM_058195.4); c.*327G>C (NM_058197.5); short protein forms G135A, G84A.
Identifiers: ClinVar variation 1061502 (VCV001061502.10), dbSNP rs1182554152, ClinGen allele CA373085904.

ClinVar aggregate classification (germline): Uncertain significance. Review status: criteria provided, multiple submitters, no conflicts (2 of 4 stars). 2 submissions from 2 submitters: Uncertain significance (2). Last evaluated 2025-03-27.

Conditions:
Familial melanoma. Also called: Hereditary melanoma; Hereditary cutaneous melanoma. Identifiers: Orphanet 618, MedGen C1512419, MONDO:0018961.

Submissions (2):

Labcorp Genetics (formerly Invitae), Labcorp
Classification: Uncertain significance for Familial melanoma. Last evaluated: 2025-03-27. Review status: criteria provided, single submitter. Criteria: Invitae Variant Classification Sherloc (09022015). Collection method: clinical testing. Allele origin: germline.
Comment: This sequence change replaces glycine, which is neutral and non-polar, with alanine, which is neutral and non-polar, at codon 135 of the CDKN2A (p16INK4a) protein (p.Gly135Ala). This variant is not present in population databases (gnomAD no frequency). This variant has not been reported in the literature in individuals affected with CDKN2A (p16INK4a)-related conditions. ClinVar contains an entry for this variant (Variation ID: 1061502). An algorithm developed to predict the effect of missense changes on protein structure and function (PolyPhen-2) suggests that this variant is likely to be disruptive. Experimental studies have shown that this missense change does not substantially affect CDKN2A (p16INK4a) function (PMID: 8573142). In summary, the available evidence is currently insufficient to determine the role of this variant in disease. Therefore, it has been classified as a Variant of Uncertain Significance.

Mendelics
Classification: Uncertain significance. Last evaluated: 2022-05-04. Review status: criteria provided, single submitter. Criteria: Mendelics Assertion Criteria 2019. Collection method: clinical testing. Allele origin: germline.

Literature cited by the submitters: PubMed 8573142 (cited by Labcorp Genetics (formerly Invitae), Labcorp).